The following is an entry in ClinVar:

NM_001367624.2(ZNF469):c.5906C>T (p.Ala1969Val)

Gene: ZNF469 (zinc finger protein 469; plus strand). Cytogenetic location: 16q24.2.
Variant type: single nucleotide variant.
Coding change: c.5906C>T on transcript NM_001367624.2 (MANE Select); coding-DNA position 5906, C replaced by T.
Protein change: p.Ala1969Val; replaces alanine 1969 with valine.
Molecular consequence: missense variant.
Genome position (GRCh38, 1-based): chr16:88,433,376, C>T. VCF-style: chr16-88433376-C-T. GRCh37 (hg19) VCF-style: chr16-88499784-C-T.
Other names: NM_001127464.1:c.5822C>T; short protein forms A1969V.
Identifiers: ClinVar variation 1749902 (VCV001749902.4), dbSNP rs1906338439, ClinGen allele CA397103026.

ClinVar aggregate classification (germline): Uncertain significance. Review status: criteria provided, multiple submitters, no conflicts (2 of 4 stars). 3 submissions from 3 submitters: Uncertain significance (3). Last evaluated 2024-05-14.

Conditions:
Brittle cornea syndrome 1 (BCS1). Also called: CORNEAL FRAGILITY, KERATOGLOBUS, BLUE SCLERAE, JOINT HYPEREXTENSIBILITY; EDS6B; FRAGILITAS OCULI WITH JOINT HYPEREXTENSIBILITY; Corneal fragility keratoglobus, blue sclerae AND joint hypermobility; DYSGENESIS MESODERMALIS CORNEAE ET SCLERAE. Identifiers: Orphanet 90354, MedGen C0268344, MONDO:0024543, OMIM 229200.
Cardiovascular phenotype. Identifiers: MedGen CN230736.

Allele frequency attached by ClinVar (database versions not stated): TOPMed below 0.00001; gnomAD 0.00001; gnomAD exomes 0.00002.
gnomAD v4.1: 20 of 1,550,216 alleles (0.0013%); highest among the groups gnomAD compares: Non-Finnish European, 0.0017%; no homozygotes.

Submissions (3):

Fulgent Genetics
Classification: Uncertain significance for Brittle cornea syndrome 1. Last evaluated: 2024-05-14. Review status: criteria provided, single submitter. Criteria: ACMG Guidelines, 2015. Collection method: clinical testing. Allele origin: germline.

GeneDx
Classification: Uncertain significance. Last evaluated: 2023-07-11. Review status: criteria provided, single submitter. Criteria: GeneDx Variant Classification Process June 2021. Collection method: clinical testing. Allele origin: germline. Affected: yes.
Comment: Has not been previously published as pathogenic or benign to our knowledge; Not observed at significant frequency in large population cohorts (gnomAD); In silico analysis supports that this missense variant does not alter protein structure/function

Ambry Genetics
Classification: Uncertain significance for Cardiovascular phenotype. Last evaluated: 2022-06-16. Review status: criteria provided, single submitter. Criteria: Ambry Variant Classification Scheme 2023. Collection method: clinical testing. Allele origin: germline.
Comment: The p.A1941V variant (also known as c.5822C>T), located in coding exon 2 of the ZNF469 gene, results from a C to T substitution at nucleotide position 5822. The alanine at codon 1941 is replaced by valine, an amino acid with similar properties. This amino acid position is poorly conserved in available vertebrate species. In addition, this alteration is predicted to be tolerated by in silico analysis. Since supporting evidence is limited at this time, the clinical significance of this alteration remains unclear.